The following is an entry in ClinVar:

NM_001723.7(DST):c.6485T>C (p.Ile2162Thr)

Gene: DST (dystonin; minus strand). Cytogenetic location: 6p12.1.
Variant type: single nucleotide variant.
Coding change: c.6485T>C on transcript NM_001723.7 (MANE Plus Clinical); coding-DNA position 6485, T replaced by C.
Protein change: p.Ile2162Thr; replaces isoleucine 2162 with threonine.
Molecular consequence: missense variant. On other transcripts: intron variant (10).
Genome position (GRCh38, 1-based): chr6:56,616,982, A>G on the plus strand (T>C on the coding strand, the complement: DST is on the minus strand). VCF-style: chr6-56616982-A-G. GRCh37 (hg19) VCF-style: chr6-56481780-A-G.
Other names: c.4831-2498T>C (NM_001144769.5); c.4930-2498T>C (NM_001374722.1, NM_001374736.1); c.4957-2498T>C (NM_001374734.1); c.4417-2498T>C (NM_001144770.2); c.4297-2498T>C (NM_001374730.1, NM_001386100.1, NM_183380.4 and 1 more transcripts); c.3319-2498T>C (NM_015548.5); short protein forms I2162T.
Identifiers: ClinVar variation 3758262 (VCV003758262.1).

ClinVar aggregate classification (germline): Uncertain significance (1 of 4 stars; one submission).

Conditions:
Epidermolysis bullosa simplex 3, localized or generalized intermediate, with BP230 deficiency (EBS3). Also called: Epidermolysis bullosa simplex, autosomal recessive 2; Epidermolysis bullosa simplex due to BP230 deficiency. Identifiers: Orphanet 412181, MedGen C3809470, MONDO:0014180, OMIM 615425.
Hereditary sensory and autonomic neuropathy type 6. Also called: HSAN VI; Neuropathy, hereditary sensory and autonomic, type VI. Identifiers: Orphanet 314381, MedGen C3539003, MONDO:0013839, OMIM 614653.

gnomAD v4.1: 11 of 1,609,242 alleles (0.00068%); highest among the groups gnomAD compares: East Asian, 0.018%; no homozygotes.

Submission:

Labcorp Genetics (formerly Invitae), Labcorp
Classification: Uncertain significance for Epidermolysis bullosa simplex 3, localized or generalized intermediate, with BP230 deficiency; Hereditary sensory and autonomic neuropathy type 6. Last evaluated: 2024-06-24. Review status: criteria provided, single submitter. Criteria: Invitae Variant Classification Sherloc (09022015). Collection method: clinical testing. Allele origin: germline.
Comment: This sequence change replaces isoleucine, which is neutral and non-polar, with threonine, which is neutral and polar, at codon 2162 of the DST protein (p.Ile2162Thr). This variant is present in population databases (rs772176534, gnomAD 0.006%). This variant has not been reported in the literature in individuals affected with DST-related conditions. An algorithm developed to predict the effect of missense changes on protein structure and function (PolyPhen-2) suggests that this variant is likely to be disruptive. In summary, the available evidence is currently insufficient to determine the role of this variant in disease. Therefore, it has been classified as a Variant of Uncertain Significance.